The following is an entry in ClinVar:

NM_005334.3(HCFC1):c.4531C>T (p.Arg1511Cys)

Gene: HCFC1 (host cell factor C1; minus strand). Cytogenetic location: Xq28.
Variant type: single nucleotide variant.
Coding change: c.4531C>T on transcript NM_005334.3 (MANE Select); coding-DNA position 4531, C replaced by T.
Protein change: p.Arg1511Cys; replaces arginine 1511 with cysteine.
Molecular consequence: missense variant.
Genome position (GRCh38, 1-based): chrX:153,952,925, G>A on the plus strand (C>T on the coding strand, the complement: HCFC1 is on the minus strand). VCF-style: chrX-153952925-G-A. GRCh37 (hg19) VCF-style: chrX-153218376-G-A.
Other names: c.4663C>T, p.Arg1555Cys (NM_001410705.1, NM_001440843.1, NM_001440844.1); c.4660C>T, p.Arg1554Cys (NM_001440845.1, NM_001440846.1); c.4531C>T, p.Arg1511Cys (NM_001440847.1, NM_001440848.1, NM_001440849.1); c.4465C>T, p.Arg1489Cys (NM_001440850.1); c.4333C>T, p.Arg1445Cys (NM_001440851.1); short protein forms R1445C, R1489C, R1511C, R1554C, R1555C.
Identifiers: ClinVar variation 4882283 (VCV004882283.2).
Genomic context (GRCh38, chrX:153,952,925, plus strand): 5'-ACTCCCCCATCAGGGCTGTGGAAGCCGACTGCAGAAGCTGCCGTGGCGGCAGCTGCTGGC[G>A]AGGACCTGGCGACACCTGGAGTTCCTCTGGGGGCTGCAGGATGTCAACAGCAGAGAAGGG-3'
Protein context (NP_005325.2, residues 1501-1521): PEELQVSPGP[Arg1511Cys]QQLPPRQLLQ

ClinVar aggregate classification (germline): Uncertain significance (1 of 4 stars; one submission).

gnomAD v4.1: 2 of 1,177,576 alleles (0.00017%); highest among the groups gnomAD compares: South Asian, 0.0019%; no homozygotes.

Submission:

Dasa
Classification: Uncertain significance. Last evaluated: 2025-09-08. Review status: criteria provided, single submitter. Criteria: DASA Assertion Criteria. Collection method: clinical testing. Allele origin: germline.
Comment: NM_005334.3(HCFC1):c.4531C>T (p.Arg1511Cys) is a missense variant that results in the substitution of arginine with cysteine. This variant is rare in population databases. Computational prediction algorithms are consistent with a benign effect. The currently available literature and clinical evidence are not sufficient to establish a definitive association between this variant and the reported condition. Therefore, this variant is classified as a variant of uncertain significance.